The following is an entry in ClinVar:

ClinVar aggregate classification (germline): Likely benign. Review status: criteria provided, multiple submitters, no conflicts (2 of 4 stars). 8 submissions from 8 submitters: Likely benign (8). Last evaluated 2026-03-27.

Conditions:
Hypertrophic cardiomyopathy. Also called: HYPERTROPHIC MYOCARDIOPATHY. Identifiers: Orphanet 217569, MedGen C0007194, MeSH D002312, MONDO:0005045, HP:0001639.
Cardiovascular phenotype. Identifiers: MedGen CN230736.
Hypertrophic cardiomyopathy 11. Also called: ACTC1-Related Familial Hypertrophic Cardiomyopathy. Identifiers: MedGen C2677506, MONDO:0012799, OMIM 612098.
Dilated cardiomyopathy 1R (CMD1R). Identifiers: Orphanet 154, Orphanet 54260, MedGen C3150681, MONDO:0013261, OMIM 613424.
Atrial septal defect 5 (ASD5). Identifiers: Orphanet 1478, MedGen C2748552, MONDO:0013011, OMIM 612794.
Cardiomyopathy (CMYO). Also called: Cardiomyopathies. Identifiers: Orphanet 167848, MedGen C0878544, MONDO:0004994, HP:0001638. Inheritance: Various modes of inheritance.

Allele frequency attached by ClinVar (database versions not stated): ESP Exome Variant Server 0.00008; gnomAD 0.00009; TOPMed 0.00009; ExAC 0.00002; gnomAD exomes 0.00003 and 0.00004.
gnomAD v4.1: 73 of 1,613,954 alleles (0.0045%); highest among the groups gnomAD compares: African/African-American, 0.011%; no homozygotes.

Submissions (8):

Molecular Diagnostic Laboratory for Inherited Cardiovascular Disease, Montreal Heart Institute
Classification: Likely benign. Last evaluated: 2026-03-27. Review status: criteria provided, single submitter. Criteria: ACMG Guidelines, 2015. Collection method: clinical testing. Allele origin: germline. Affected: no.
Comment: BP7

Labcorp Genetics (formerly Invitae), Labcorp
Classification: Likely benign for Dilated cardiomyopathy 1R; Hypertrophic cardiomyopathy 11; Atrial septal defect 5. Last evaluated: 2025-11-12. Review status: criteria provided, single submitter. Criteria: Invitae Variant Classification Sherloc (09022015). Collection method: clinical testing. Allele origin: germline.

Blueprint Genetics
Classification: Likely benign. Last evaluated: 2024-10-17. Review status: criteria provided, single submitter. Criteria: ACMG Guidelines, 2015. Collection method: clinical testing. Allele origin: germline.

All of Us Research Program, National Institutes of Health
Classification: Likely benign for Hypertrophic cardiomyopathy. Last evaluated: 2023-12-13. Review status: criteria provided, single submitter. Criteria: ACMG Guidelines, 2015. Collection method: clinical testing. Allele origin: germline. Inheritance: Autosomal dominant inheritance. Observed: 8 variant alleles, 8 heterozygotes.
Comment: This study involves interpretation of variants in research participants for the purpose of population health screening. Participant phenotype was not available at the time of variant classification. Additional details can be found in publication PMID: 35346344, PMCID: PMC8962531

Ambry Genetics
Classification: Likely benign for Cardiovascular phenotype. Last evaluated: 2021-02-20. Review status: criteria provided, single submitter. Criteria: Ambry Variant Classification Scheme 2023. Collection method: clinical testing. Allele origin: germline.

Color Diagnostics, LLC DBA Color Health
Classification: Likely benign for Cardiomyopathy. Last evaluated: 2019-10-08. Review status: criteria provided, single submitter. Criteria: ACMG Guidelines, 2015. Collection method: clinical testing. Allele origin: germline.

GeneDx
Classification: Likely benign. Last evaluated: 2018-01-17. Review status: criteria provided, single submitter. Criteria: GeneDx Variant Classification (06012015). Collection method: clinical testing. Allele origin: germline. Affected: yes.
Comment: This variant is considered likely benign or benign based on one or more of the following criteria: it is a conservative change, it occurs at a poorly conserved position in the protein, it is predicted to be benign by multiple in silico algorithms, and/or has population frequency not consistent with disease.

Breakthrough Genomics
Classification: Likely benign. Review status: criteria provided, single submitter. Criteria: ACMG Guidelines, 2015. Collection method: not provided. Allele origin: germline. Inheritance: Autosomal dominant inheritance. Affected: yes.

NM_005159.5(ACTC1):c.246C>T (p.Asp82=)

Genes: ACTC1 (actin alpha cardiac muscle 1; minus strand), GJD2-DT (GJD2 divergent transcript; plus strand). Cytogenetic location: 15q14.
Variant type: single nucleotide variant.
Coding change: c.246C>T on transcript NM_005159.5 (MANE Select); coding-DNA position 246, C replaced by T.
Protein change: p.Asp82=; no amino-acid change (aspartic acid 82 retained).
Molecular consequence: synonymous variant.
Genome position (GRCh38, 1-based): chr15:34,793,453, G>A on the plus strand (C>T on the coding strand, the complement: ACTC1 is on the minus strand). VCF-style: chr15-34793453-G-A. GRCh37 (hg19) VCF-style: chr15-35085654-G-A.
Other names: c.246C>T (LRG_388t1).
Identifiers: ClinVar variation 516876 (VCV000516876.19), dbSNP rs373261583, ClinGen allele CA041427.